The following is an entry in ClinVar:

NM_000182.5(HADHA):c.1393-62A>C

Genes: HADHA (hydroxyacyl-CoA dehydrogenase trifunctional multienzyme complex subunit alpha; minus strand), GAREM2 (GRB2 associated regulator of MAPK1 subtype 2; plus strand). Cytogenetic location: 2p23.3.
Variant type: single nucleotide variant.
Coding change: c.1393-62A>C on transcript NM_000182.5 (MANE Select); 62 bases into the intron before coding-DNA position 1393, A replaced by C.
Molecular consequence: intron variant.
Genome position (GRCh38, 1-based): chr2:26,197,839, T>G on the plus strand (A>C on the coding strand, the complement: HADHA is on the minus strand). VCF-style: chr2-26197839-T-G. GRCh37 (hg19) VCF-style: chr2-26420708-T-G.
Identifiers: ClinVar variation 676133 (VCV000676133.5), dbSNP rs13387855, ClinGen allele CA11181506.
Genomic context (GRCh38, chr2:26,197,839, plus strand): 5'-TGCAGGGGAAAAGCATTTAACAATGTGTCAGGTAGGCCTGGGAGATGATTAGAGGCCACA[T>G]CAAAGCTAATGAGTGACACCTGGGCCCAGCCCACTCTGTCCCCCACAACTGCTCAGACAG-3'

ClinVar aggregate classification (germline): Benign. Review status: criteria provided, multiple submitters, no conflicts (2 of 4 stars). 3 submissions from 3 submitters: Benign (3). Last evaluated 2021-06-10.

Conditions:
Long chain 3-hydroxyacyl-CoA dehydrogenase deficiency. Also called: LCHAD Deficiency; Deficiency of long-chain 3-hydroxyacyl-coenzyme A dehydrogenase. Identifiers: Orphanet 5, MedGen C3711645, MONDO:0012173, OMIM 609016.

Allele frequency attached by ClinVar (database versions not stated): gnomAD 0.82311 and 0.82463; TOPMed 0.83536; 1000 Genomes Project 0.85284; 1000 Genomes Project 30x 0.85572.
gnomAD v4.1: 668,973 of 841,642 alleles (79%); highest among the groups gnomAD compares: African/African-American, 93%; 267,410 homozygotes.

Submissions (3):

Genome-Nilou Lab
Classification: Benign for Long chain 3-hydroxyacyl-CoA dehydrogenase deficiency. Last evaluated: 2021-06-10. Review status: criteria provided, single submitter. Criteria: ACMG Guidelines, 2015. Collection method: clinical testing. Allele origin: germline. Affected: no.

GeneDx
Classification: Benign. Last evaluated: 2018-06-14. Review status: criteria provided, single submitter. Criteria: GeneDx Variant Classification (06012015). Collection method: clinical testing. Allele origin: germline. Affected: yes.
Comment: This variant is considered likely benign or benign based on one or more of the following criteria: it is a conservative change, it occurs at a poorly conserved position in the protein, it is predicted to be benign by multiple in silico algorithms, and/or has population frequency not consistent with disease.

Breakthrough Genomics
Classification: Benign. Review status: criteria provided, single submitter. Criteria: ACMG Guidelines, 2015. Collection method: not provided. Allele origin: germline. Inheritance: Autosomal recessive inheritance. Affected: yes.